The following is an entry in ClinVar:

NM_006231.4(POLE):c.3626C>G (p.Ala1209Gly)

Gene: POLE (DNA polymerase epsilon, catalytic subunit; minus strand). Cytogenetic location: 12q24.33.
Variant type: single nucleotide variant.
Coding change: c.3626C>G on transcript NM_006231.4 (MANE Select); coding-DNA position 3626, C replaced by G.
Protein change: p.Ala1209Gly; replaces alanine 1209 with glycine.
Molecular consequence: missense variant.
Genome position (GRCh38, 1-based): chr12:132,649,846, G>C on the plus strand (C>G on the coding strand, the complement: POLE is on the minus strand). VCF-style: chr12-132649846-G-C. GRCh37 (hg19) VCF-style: chr12-133226432-G-C.
Other names: short protein forms A1209G.
Identifiers: ClinVar variation 1403083 (VCV001403083.8), dbSNP rs1593751440, ClinGen allele CA387386931.

ClinVar aggregate classification (germline): Uncertain significance (1 of 4 stars; one submission).

Submission:

Labcorp Genetics (formerly Invitae), Labcorp
Classification: Uncertain significance. Last evaluated: 2022-02-18. Review status: criteria provided, single submitter. Criteria: Invitae Variant Classification Sherloc (09022015). Collection method: clinical testing. Allele origin: germline.
Comment: In summary, the available evidence is currently insufficient to determine the role of this variant in disease. Therefore, it has been classified as a Variant of Uncertain Significance. Algorithms developed to predict the effect of missense changes on protein structure and function are either unavailable or do not agree on the potential impact of this missense change (SIFT: "Deleterious"; PolyPhen-2: "Benign"; Align-GVGD: "Class C0"). This variant has not been reported in the literature in individuals affected with POLE-related conditions. This variant is not present in population databases (gnomAD no frequency). This sequence change replaces alanine, which is neutral and non-polar, with glycine, which is neutral and non-polar, at codon 1209 of the POLE protein (p.Ala1209Gly).